The following is an entry in ClinVar:

NM_002317.7(LOX):c.182G>A (p.Gly61Asp)

Genes: LOX (lysyl oxidase; minus strand), SRFBP1 (serum response factor binding protein 1; plus strand). Cytogenetic location: 5q23.1.
Variant type: single nucleotide variant.
Coding change: c.182G>A on transcript NM_002317.7 (MANE Select); coding-DNA position 182, G replaced by A.
Protein change: p.Gly61Asp; replaces glycine 61 with aspartic acid.
Molecular consequence: missense variant.
Genome position (GRCh38, 1-based): chr5:122,077,804, C>T on the plus strand (G>A on the coding strand, the complement: LOX is on the minus strand). VCF-style: chr5-122077804-C-T. GRCh37 (hg19) VCF-style: chr5-121413499-C-T.
Other names: short protein forms G61D.
Identifiers: ClinVar variation 2879777 (VCV002879777.3), dbSNP rs1260167996, ClinGen allele CA360877693.

ClinVar aggregate classification (germline): Uncertain significance (1 of 4 stars; one submission).

Submission:

Labcorp Genetics (formerly Invitae), Labcorp
Classification: Uncertain significance. Last evaluated: 2023-08-18. Review status: criteria provided, single submitter. Criteria: Invitae Variant Classification Sherloc (09022015). Collection method: clinical testing. Allele origin: germline.
Comment: In summary, the available evidence is currently insufficient to determine the role of this variant in disease. Therefore, it has been classified as a Variant of Uncertain Significance. Advanced modeling of protein sequence and biophysical properties (such as structural, functional, and spatial information, amino acid conservation, physicochemical variation, residue mobility, and thermodynamic stability) has been performed at Invitae for this missense variant, however the output from this modeling did not meet the statistical confidence thresholds required to predict the impact of this variant on LOX protein function. This variant has not been reported in the literature in individuals affected with LOX-related conditions. This variant is not present in population databases (gnomAD no frequency). This sequence change replaces glycine, which is neutral and non-polar, with aspartic acid, which is acidic and polar, at codon 61 of the LOX protein (p.Gly61Asp).